The following is an entry in ClinVar:

NM_001267550.2(TTN):c.105804_105805del (p.Glu35268fs)

Genes: TTN (titin; minus strand), TTN-AS1 (TTN antisense RNA 1; plus strand), LOC129935183 (ATAC-STARR-seq lymphoblastoid active region 16808; plus strand). Cytogenetic location: 2q31.2.
Variant type: Microsatellite.
Coding change: c.105804_105805del on transcript NM_001267550.2 (MANE Select); coding-DNA positions 105804 to 105805, 2 bases deleted (GA; older notation c.105804_105805delGA).
Protein change: p.Glu35268fs; shifts the reading frame from glutamic acid 35268.
Molecular consequence: frameshift variant.
Genome position (GRCh38, 1-based): chr2:178,530,810-178,530,811, TC deleted on the plus strand (GA on the coding strand, the reverse complement: TTN is on the minus strand); deleting any 2 consecutive bases within chr2:178,530,810-178,530,814 gives the same sequence; the c. name uses the placement nearest the transcript's 3' end. VCF-style (leftmost placement, unchanged base first): chr2-178530809-GTC-G. GRCh37 (hg19) VCF-style: chr2-179395536-GTC-G.
Other names: c.100881_100882del, p.Glu33627fs (NM_001256850.1); c.78609_78610del, p.Glu26203fs (NM_003319.4); c.98100_98101del, p.Glu32700fs (NM_133378.4); c.78984_78985del, p.Glu26328fs (NM_133432.3); c.79185_79186del, p.Glu26395fs (NM_133437.4); short protein forms E35268fs, E26328fs, E32700fs, E33627fs, E26203fs, E26395fs.
Identifiers: ClinVar variation 2585300 (VCV002585300.1), dbSNP rs767702155, ClinGen allele CA1985210.
Genomic context (GRCh38, chr2:178,530,809, plus strand): 5'-GTAATCTTTGGTGGGGCAGAGACTGGGAGGTGCTGAACTTTCTCTGTTGGTGTTGGTTTT[GTC>G]TCTGTGGGTGATACGGCTTTCGGGTGAGAAGGTTCTGGAGATTTCACTCGTTTTGGAGAC-3'

ClinVar aggregate classification (germline): Likely pathogenic (1 of 4 stars; one submission).

Conditions:
Autosomal recessive limb-girdle muscular dystrophy type 2J (LGMDR10). Also called: Limb-girdle muscular dystrophy, type 2J; MUSCULAR DYSTROPHY, LIMB-GIRDLE, AUTOSOMAL RECESSIVE 10. Identifiers: Orphanet 140922, MedGen C1837342, MONDO:0012127, OMIM 608807.

Submission:

Neuberg Centre For Genomic Medicine, NCGM
Classification: Likely pathogenic for Autosomal recessive limb-girdle muscular dystrophy type 2J. Review status: criteria provided, single submitter. Criteria: ACMG Guidelines, 2015. Collection method: clinical testing. Allele origin: germline. Inheritance: Autosomal recessive inheritance. Affected: yes.
Comment: The frameshift variant c.100881_100882del (p.Glu33627AspfsTer30) in TTN gene has not been reported previously as a pathogenic variant nor as a benign variant, to our knowledge. The p.Glu33627AspfsTer30 variant is novel (not in any individuals) in 1000 Genomes and is present in the gnomAD exomes database with a frequency of 0.0004%. Null variant (frame-shift), in gene TTN for which loss-of-function is a known mechanism of disease. This variant causes a frameshift starting with codon Glutamic Acid 33627, changes this amino acid to Aspartic Acid residue, and creates a premature Stop codon at position 30 of the new reading frame, denoted p.Glu33627AspfsTer30. For these reasons, this variant has been classified as Likely Pathogenic